The following is an entry in ClinVar:

ClinVar aggregate classification (germline): Likely benign (1 of 4 stars; one submission).

gnomAD v4.1: 12,709 of 1,607,604 alleles (0.79%); highest among the groups gnomAD compares: Non-Finnish European, 0.85%; 108 homozygotes.

Submission:

CeGaT Center for Human Genetics Tuebingen
Classification: Likely benign. Last evaluated: 2025-06-01. Review status: criteria provided, single submitter. Criteria: CeGaT Center For Human Genetics Tuebingen Variant Classification Criteria Version 2. Collection method: clinical testing. Allele origin: germline. Affected: yes. Observed: 1 variant allele.
Comment: TRIM49: BP4, BS2

NM_020358.2(TRIM49):c.380G>A (p.Arg127His)

Gene: TRIM49 (tripartite motif containing 49; minus strand). Cytogenetic location: 11q14.3.
Variant type: single nucleotide variant.
Coding change: c.380G>A on transcript NM_020358.2 (MANE Select); coding-DNA position 380, G replaced by A.
Protein change: p.Arg127His; replaces arginine 127 with histidine.
Molecular consequence: missense variant.
Genome position (GRCh38, 1-based): chr11:89,804,090, C>T on the plus strand (G>A on the coding strand, the complement: TRIM49 is on the minus strand). VCF-style: chr11-89804090-C-T. GRCh37 (hg19) VCF-style: chr11-89537258-C-T.
Other names: short protein forms R127H.
Identifiers: ClinVar variation 4083997 (VCV004083997.8).